The following is an entry in ClinVar:

ClinVar aggregate classification (germline): Uncertain significance (1 of 4 stars; one submission).

Conditions:
Hereditary cancer-predisposing syndrome. Also called: Neoplastic Syndromes, Hereditary; Tumor predisposition; Hereditary Cancer Syndrome; Hereditary neoplastic syndrome. Identifiers: Orphanet 140162, MedGen C0027672, MeSH D009386, MONDO:0015356.

Submission:

Ambry Genetics
Classification: Uncertain significance for Hereditary cancer-predisposing syndrome. Last evaluated: 2022-01-16. Review status: criteria provided, single submitter. Criteria: Ambry Variant Classification Scheme 2023. Collection method: clinical testing. Allele origin: germline.
Comment: The p.V531G variant (also known as c.1592T>G), located in coding exon 17 of the RB1 gene, results from a T to G substitution at nucleotide position 1592. The valine at codon 531 is replaced by glycine, an amino acid with dissimilar properties. This amino acid position is conserved. In addition, this alteration is predicted to be deleterious by in silico analysis. Since supporting evidence is limited at this time, the clinical significance of this alteration remains unclear.

NM_000321.3(RB1):c.1592T>G (p.Val531Gly)

Gene: RB1 (RB transcriptional corepressor 1; plus strand). Cytogenetic location: 13q14.2.
Variant type: single nucleotide variant.
Coding change: c.1592T>G on transcript NM_000321.3 (MANE Select); coding-DNA position 1592, T replaced by G.
Protein change: p.Val531Gly; replaces valine 531 with glycine.
Molecular consequence: missense variant.
Genome position (GRCh38, 1-based): chr13:48,381,340, T>G. VCF-style: chr13-48381340-T-G. GRCh37 (hg19) VCF-style: chr13-48955476-T-G.
Other names: c.1592T>G, p.Val531Gly (NM_001407165.1, NM_001407166.1); short protein forms V531G.
Identifiers: ClinVar variation 1775949 (VCV001775949.2), dbSNP rs143324585, ClinGen allele CA249281949.